The following is an entry in ClinVar:

ClinVar aggregate classification (germline): Likely benign. Review status: criteria provided, multiple submitters, no conflicts (2 of 4 stars). 2 submissions from 2 submitters: Likely benign (2). Last evaluated 2025-12-31.

Conditions:
Congenital hyperammonemia, type I. Also called: Carbamoyl-phosphate synthase I deficiency; CPS I DEFICIENCY; Carbamoyl phosphate synthetase 1 deficiency; Hyperammonemia due to carbamoyl phosphate synthetase 1 deficiency; CPS 1 deficiency; Carbamyl phosphate synthetase (CPS) deficiency. Identifiers: Orphanet 147, MedGen C4082171, MONDO:0009376, OMIM 237300.

Allele frequency attached by ClinVar (database versions not stated): gnomAD exomes 0.00002 and 0.00004; ExAC 0.00006; TOPMed 0.00015; ESP Exome Variant Server 0.00016; gnomAD 0.00016; 1000 Genomes Project 30x 0.00047.

Submissions (2):

Labcorp Genetics (formerly Invitae), Labcorp
Classification: Likely benign for Congenital hyperammonemia, type I. Last evaluated: 2025-12-31. Review status: criteria provided, single submitter. Criteria: Invitae Variant Classification Sherloc (09022015). Collection method: clinical testing. Allele origin: germline.

GeneDx
Classification: Likely benign. Last evaluated: 2016-03-22. Review status: criteria provided, single submitter. Criteria: GeneDx Variant Classification (06012015). Collection method: clinical testing. Allele origin: germline. Affected: yes.
Comment: This variant is considered likely benign or benign based on one or more of the following criteria: it is a conservative change, it occurs at a poorly conserved position in the protein, it is predicted to be benign by multiple in silico algorithms, and/or has population frequency not consistent with disease.

NM_001875.5(CPS1):c.1550-17_1550-13del

Gene: CPS1 (carbamoyl-phosphate synthase 1; plus strand). Cytogenetic location: 2q34.
Variant type: Deletion.
Coding change: c.1550-17_1550-13del on transcript NM_001875.5 (MANE Select); 17 bases into the intron before coding-DNA position 1550 through 13 bases into the intron before coding-DNA position 1550, 5 bases deleted (ATTTG; older notation c.1550-17_1550-13delATTTG).
Molecular consequence: intron variant.
Genome position (GRCh38, 1-based): chr2:210,600,538-210,600,542, ATTTG deleted. VCF-style (leftmost placement, unchanged base first): chr2-210600537-TATTTG-T. GRCh37 (hg19) VCF-style: chr2-211465261-TATTTG-T.
Other names: c.1550-17_1550-13del (NM_001369257.1, NM_001122633.3, LRG_336t1); c.1583-17_1583-13del (NM_001369256.1).
Identifiers: ClinVar variation 420512 (VCV000420512.9), dbSNP rs754222806, ClinGen allele CA2086396.